The following is an entry in ClinVar:

ClinVar aggregate classification (germline): Benign. Review status: criteria provided, multiple submitters, no conflicts (2 of 4 stars). 2 submissions from 2 submitters: Benign (2). Last evaluated 2018-06-18.

Allele frequency attached by ClinVar (database versions not stated): 1000 Genomes Project 30x 0.13226; 1000 Genomes Project 0.13339; TOPMed 0.15779; gnomAD 0.16703 and 0.16774.
gnomAD v4.1: 334,681 of 1,579,294 alleles (21%); highest among the groups gnomAD compares: Non-Finnish European, 23%; 38,689 homozygotes.

Submissions (2):

GeneDx
Classification: Benign. Last evaluated: 2018-06-18. Review status: criteria provided, single submitter. Criteria: GeneDx Variant Classification (06012015). Collection method: clinical testing. Allele origin: germline. Affected: yes.
Comment: This variant is considered likely benign or benign based on one or more of the following criteria: it is a conservative change, it occurs at a poorly conserved position in the protein, it is predicted to be benign by multiple in silico algorithms, and/or has population frequency not consistent with disease.

Breakthrough Genomics
Classification: Benign. Review status: criteria provided, single submitter. Criteria: ACMG Guidelines, 2015. Collection method: not provided. Allele origin: germline. Inheritance: Autosomal recessive inheritance. Affected: yes.

NM_001909.5(CTSD):c.705-74C>T

Gene: CTSD (cathepsin D; minus strand). Cytogenetic location: 11p15.5.
Variant type: single nucleotide variant.
Coding change: c.705-74C>T on transcript NM_001909.5 (MANE Select); 74 bases into the intron before coding-DNA position 705, C replaced by T.
Molecular consequence: intron variant.
Genome position (GRCh38, 1-based): chr11:1,755,102, G>A on the plus strand (C>T on the coding strand, the complement: CTSD is on the minus strand). VCF-style: chr11-1755102-G-A. GRCh37 (hg19) VCF-style: chr11-1776332-G-A.
Identifiers: ClinVar variation 670728 (VCV000670728.2), dbSNP rs2292963, ClinGen allele CA13405942.